The following is an entry in ClinVar:

NM_032790.3(ORAI1):c.655G>A

Gene: ORAI1 (ORAI calcium release-activated calcium modulator 1; plus strand). Cytogenetic location: 12q24.31.
Variant type: single nucleotide variant.
Coding change: c.655G>A on transcript NM_032790.3; coding-DNA position 655, G replaced by A.
Molecular consequence: non-coding transcript variant (on NR_186857.1).
Genome position (GRCh38, 1-based): chr12:121,641,392, G>A. VCF-style: chr12-121641392-G-A. GRCh37 (hg19) VCF-style: chr12-122079298-G-A.
Other names: p.Ala219Thr.
Identifiers: ClinVar variation 3380128 (VCV003380128.1).

ClinVar aggregate classification (germline): Uncertain significance (1 of 4 stars; one submission).

Submission:

Mayo Clinic Laboratories, Mayo Clinic
Classification: Uncertain significance. Last evaluated: 2023-10-13. Review status: criteria provided, single submitter. Criteria: ACMG Guidelines, 2015. Collection method: clinical testing. Allele origin: germline. Observed: 1 variant allele.
Comment: BP4